The following is an entry in ClinVar:

ClinVar aggregate classification (germline): Uncertain significance (1 of 4 stars; one submission).

Conditions:
Landau-Kleffner syndrome (FESD). Also called: EPILEPSY, FOCAL, WITH SPEECH DISORDER AND WITH OR WITHOUT MENTAL RETARDATION; APHASIA, ACQUIRED, WITH EPILEPSY. Identifiers: Orphanet 1945, Orphanet 725, Orphanet 98818, MedGen C0282512, MONDO:0009509, OMIM 245570.

gnomAD v4.1: 1 of 1,613,240 alleles (0.000062%); highest among the groups gnomAD compares: Non-Finnish European, 0.000085%; no homozygotes.

Submission:

Labcorp Genetics (formerly Invitae), Labcorp
Classification: Uncertain significance for Landau-Kleffner syndrome. Last evaluated: 2023-05-16. Review status: criteria provided, single submitter. Criteria: Invitae Variant Classification Sherloc (09022015). Collection method: clinical testing. Allele origin: germline.
Comment: This sequence change replaces proline, which is neutral and non-polar, with threonine, which is neutral and polar, at codon 1307 of the GRIN2A protein (p.Pro1307Thr). In summary, the available evidence is currently insufficient to determine the role of this variant in disease. Therefore, it has been classified as a Variant of Uncertain Significance. Advanced modeling of protein sequence and biophysical properties (such as structural, functional, and spatial information, amino acid conservation, physicochemical variation, residue mobility, and thermodynamic stability) performed at Invitae indicates that this missense variant is not expected to disrupt GRIN2A protein function. This variant has not been reported in the literature in individuals affected with GRIN2A-related conditions. This variant is not present in population databases (gnomAD no frequency).

NM_001134407.3(GRIN2A):c.3919C>A (p.Pro1307Thr)

Gene: GRIN2A (glutamate ionotropic receptor NMDA type subunit 2A; minus strand). Cytogenetic location: 16p13.2.
Variant type: single nucleotide variant.
Coding change: c.3919C>A on transcript NM_001134407.3 (MANE Select); coding-DNA position 3919, C replaced by A.
Protein change: p.Pro1307Thr; replaces proline 1307 with threonine.
Molecular consequence: missense variant. On other transcripts: intron variant (1).
Genome position (GRCh38, 1-based): chr16:9,763,625, G>T on the plus strand (C>A on the coding strand, the complement: GRIN2A is on the minus strand). VCF-style: chr16-9763625-G-T. GRCh37 (hg19) VCF-style: chr16-9857482-G-T.
Other names: c.3919C>A, p.Pro1307Thr (NM_000833.5); c.3772+147C>A (NM_001134408.2); short protein forms P1307T.
Identifiers: ClinVar variation 2864841 (VCV002864841.3), dbSNP rs148827608, ClinGen allele CA394706560.
Genomic context (GRCh38, chr16:9,763,625, plus strand): 5'-TGCCGTAAAAATTTCCCTCCAGAAGCCGTTCCCTGTCCTTGAGGCTTATGCTCCGGGAGG[G>T]CCTGCTAAGGTCTAGCTCCCTAGGTTTGTCGACAATGTTATCGTAGGAATGCTGACGGCT-3'
Protein context (NP_001127879.1, residues 1297-1317): DKPRELDLSR[Pro1307Thr]SRSISLKDRE